The following is an entry in ClinVar:

NM_002226.5(JAG2):c.2318T>C (p.Phe773Ser)

Gene: JAG2 (jagged canonical Notch ligand 2; minus strand). Cytogenetic location: 14q32.33.
Variant type: single nucleotide variant.
Coding change: c.2318T>C on transcript NM_002226.5 (MANE Select); coding-DNA position 2318, T replaced by C.
Protein change: p.Phe773Ser; replaces phenylalanine 773 with serine.
Molecular consequence: missense variant.
Genome position (GRCh38, 1-based): chr14:105,147,819, A>G on the plus strand (T>C on the coding strand, the complement: JAG2 is on the minus strand). VCF-style: chr14-105147819-A-G. GRCh37 (hg19) VCF-style: chr14-105614156-A-G.
Other names: c.2204T>C, p.Phe735Ser (NM_145159.3); short protein forms F735S, F773S.
Identifiers: ClinVar variation 3896887 (VCV003896887.1).

ClinVar aggregate classification (germline): Uncertain significance (1 of 4 stars; one submission).

Conditions:
Muscular dystrophy, limb-girdle, autosomal recessive 27. Identifiers: MedGen C5562002, MONDO:0030456, OMIM 619566.

gnomAD v4.1: 4 of 1,550,056 alleles (0.00026%); highest among the groups gnomAD compares: Non-Finnish European, 0.00035%; no homozygotes.

Submission:

Kariminejad - Najmabadi Pathology & Genetics Center
Classification: Uncertain significance for Muscular dystrophy, limb-girdle, autosomal recessive 27. Last evaluated: 2023-03-30. Review status: criteria provided, single submitter. Criteria: ACMG Guidelines, 2015. Collection method: clinical testing. Allele origin: germline. Inheritance: Autosomal recessive inheritance. Affected: yes.
Comment: PM2,PP3